The following is an entry in ClinVar:

ClinVar aggregate classification (germline): Uncertain significance. Review status: criteria provided, multiple submitters, no conflicts (2 of 4 stars). 3 submissions from 3 submitters: Uncertain significance (3). Last evaluated 2026-01-13.

Conditions:
Inborn genetic diseases. Identifiers: MedGen C0950123, MeSH D030342.
Generalized epilepsy-paroxysmal dyskinesia syndrome (PNKD3). Also called: Generalized epilepsy and paroxysmal dyskinesia; Paroxysmal nonkinesigenic dyskinesia, 3, with or without generalized epilepsy. Identifiers: Orphanet 79137, MedGen C5574945, MONDO:0012276, OMIM 609446.

Allele frequency attached by ClinVar (database versions not stated): gnomAD 0.00001; gnomAD exomes 0.00001; TOPMed 0.00001; ExAC 0.00002; ESP Exome Variant Server 0.00008.
gnomAD v4.1: 19 of 1,613,912 alleles (0.0012%); highest among the groups gnomAD compares: Non-Finnish European, 0.0016%; no homozygotes.

Submissions (3):

Labcorp Genetics (formerly Invitae), Labcorp
Classification: Uncertain significance for Generalized epilepsy-paroxysmal dyskinesia syndrome. Last evaluated: 2026-01-13. Review status: criteria provided, single submitter. Criteria: Invitae Variant Classification Sherloc (09022015). Collection method: clinical testing. Allele origin: germline.
Comment: This sequence change replaces methionine, which is neutral and non-polar, with valine, which is neutral and non-polar, at codon 744 of the KCNMA1 protein (p.Met744Val). This variant is present in population databases (rs200544842, gnomAD 0.0009%). This variant has not been reported in the literature in individuals affected with KCNMA1-related conditions. ClinVar contains an entry for this variant (Variation ID: 1062943). Invitae Evidence Modeling of protein sequence and biophysical properties (such as structural, functional, and spatial information, amino acid conservation, physicochemical variation, residue mobility, and thermodynamic stability) indicates that this missense variant is not expected to disrupt KCNMA1 protein function with a negative predictive value of 80%. In summary, the available evidence is currently insufficient to determine the role of this variant in disease. Therefore, it has been classified as a Variant of Uncertain Significance.

Blueprint Genetics
Classification: Uncertain significance. Last evaluated: 2024-08-29. Review status: criteria provided, single submitter. Criteria: ACMG Guidelines, 2015. Collection method: clinical testing. Allele origin: germline.

Ambry Genetics
Classification: Uncertain significance for Inborn genetic diseases. Last evaluated: 2022-11-17. Review status: criteria provided, single submitter. Criteria: Ambry Variant Classification Scheme 2023. Collection method: clinical testing. Allele origin: germline.

NM_001161352.2(KCNMA1):c.2404A>G (p.Met802Val)

Genes: KCNMA1 (potassium calcium-activated channel subfamily M alpha 1; minus strand), KCNMA1-AS1 (KCNMA1 antisense RNA 1; plus strand). Cytogenetic location: 10q22.3.
Variant type: single nucleotide variant.
Coding change: c.2404A>G on transcript NM_001161352.2 (MANE Select); coding-DNA position 2404, A replaced by G.
Protein change: p.Met802Val; replaces methionine 802 with valine.
Molecular consequence: missense variant.
Genome position (GRCh38, 1-based): chr10:76,953,881, T>C on the plus strand (A>G on the coding strand, the complement: KCNMA1 is on the minus strand). VCF-style: chr10-76953881-T-C. GRCh37 (hg19) VCF-style: chr10-78713639-T-C.
Other names: c.2242A>G, p.Met748Val (NM_001014797.3, NM_001322835.2, NM_001322837.2); c.2230A>G, p.Met744Val (NM_001161353.2, NM_001322832.2, NM_002247.4); c.2080A>G, p.Met694Val (NM_001271518.2); c.2239A>G, p.Met747Val (NM_001271519.2, NM_001322829.2, NM_001322836.2); c.2251A>G, p.Met751Val (NM_001322830.2); c.1777A>G, p.Met593Val (NM_001322838.2); c.2230A>G (NM_002247.3); short protein forms M593V, M694V, M744V, M747V, M748V, M751V, M802V.
Identifiers: ClinVar variation 1062943 (VCV001062943.11), dbSNP rs200544842, ClinGen allele CA5568096.
Genomic context (GRCh38, chr10:76,953,881, plus strand): 5'-CCTTGGGTGCACACCAGTGAAACATCCCAGTAGAGTCGTACTTCTTCACATTGGAGTCCA[T>C]GTTGTCAATCTGATCATTGCCAGGAATTAACAAGGGGTCATGCCTGGGAAGAAAAGGACA-3'
Protein context (NP_001154824.1, residues 792-812): LIPGNDQIDN[Met802Val]DSNVKKYDST